The following is an entry in ClinVar:

ClinVar aggregate classification (germline): Uncertain significance (1 of 4 stars; one submission).

gnomAD v4.1: 2 of 1,613,622 alleles (0.00012%); highest among the groups gnomAD compares: Non-Finnish European, 0.00017%; no homozygotes.

Submission:

Labcorp Genetics (formerly Invitae), Labcorp
Classification: Uncertain significance. Last evaluated: 2024-04-25. Review status: criteria provided, single submitter. Criteria: Invitae Variant Classification Sherloc (09022015). Collection method: clinical testing. Allele origin: germline.
Comment: This sequence change replaces lysine, which is basic and polar, with asparagine, which is neutral and polar, at codon 320 of the PDE10A protein (p.Lys320Asn). This variant is not present in population databases (gnomAD no frequency). This variant has not been reported in the literature in individuals affected with PDE10A-related conditions. Advanced modeling of protein sequence and biophysical properties (such as structural, functional, and spatial information, amino acid conservation, physicochemical variation, residue mobility, and thermodynamic stability) performed at Invitae indicates that this missense variant is not expected to disrupt PDE10A protein function with a negative predictive value of 80%. In summary, the available evidence is currently insufficient to determine the role of this variant in disease. Therefore, it has been classified as a Variant of Uncertain Significance.

NM_001385079.1(PDE10A):c.1758G>T (p.Lys586Asn)

Gene: PDE10A (phosphodiesterase 10A; minus strand). Cytogenetic location: 6q27.
Variant type: single nucleotide variant.
Coding change: c.1758G>T on transcript NM_001385079.1 (MANE Select); coding-DNA position 1758, G replaced by T.
Protein change: p.Lys586Asn; replaces lysine 586 with asparagine.
Molecular consequence: missense variant.
Genome position (GRCh38, 1-based): chr6:165,418,673, C>A on the plus strand (G>T on the coding strand, the complement: PDE10A is on the minus strand). VCF-style: chr6-165418673-C-A. GRCh37 (hg19) VCF-style: chr6-165832161-C-A.
Other names: c.960G>T, p.Lys320Asn (NM_001130690.3); c.930G>T, p.Lys310Asn (NM_006661.4); short protein forms K310N, K320N, K586N.
Identifiers: ClinVar variation 3609951 (VCV003609951.2).